The following is an entry in ClinVar:

NM_144997.7(FLCN):c.743_768del (p.Asp248fs)

Gene: FLCN (folliculin; minus strand). Cytogenetic location: 17p11.2.
Variant type: Deletion.
Coding change: c.743_768del on transcript NM_144997.7 (MANE Select); coding-DNA positions 743 to 768, 26 bases deleted (ACAACCTGTGGGCGTGCCTGCACACC).
Protein change: p.Asp248fs; shifts the reading frame from aspartic acid 248.
Molecular consequence: frameshift variant.
Genome position (GRCh38, 1-based): chr17:17,222,512-17,222,537, GGTGTGCAGGCACGCCCACAGGTTGT deleted on the plus strand (ACAACCTGTGGGCGTGCCTGCACACC on the coding strand, the reverse complement: FLCN is on the minus strand). VCF-style (leftmost placement, unchanged base first): chr17-17222511-AGGTGTGCAGGCACGCCCACAGGTTGT-A. GRCh37 (hg19) VCF-style: chr17-17125825-AGGTGTGCAGGCACGCCCACAGGTTGT-A.
Other names: c.797_822del, p.Asp266fs (NM_001353229.2); c.743_768del, p.Asp248fs (NM_001353230.2, NM_001353231.2, NM_144606.7); short protein forms D248fs, D266fs.
Identifiers: ClinVar variation 4257913 (VCV004257913.1).
Genomic context (GRCh38, chr17:17,222,511, plus strand): 5'-CGTGACTGCTCTATCCTAACAGATATGCCAAAAGCAGAGACGCCCGTTACCAGGCAAAGG[AGGTGTGCAGGCACGCCCACAGGTTGT>A]CATCACTTGTCAGCGATGTCAGCGAGCGGGCGGCGTTGCCGTTCCTCTGGTGTAGGAATG-3'

ClinVar aggregate classification (germline): Pathogenic (1 of 4 stars; one submission).

Conditions:
Hereditary cancer-predisposing syndrome. Also called: Hereditary Cancer Syndrome; Hereditary neoplastic syndrome; Neoplastic Syndromes, Hereditary; Tumor predisposition. Identifiers: Orphanet 140162, MedGen C0027672, MeSH D009386, MONDO:0015356.

Submission:

Ambry Genetics
Classification: Pathogenic for Hereditary cancer-predisposing syndrome. Last evaluated: 2025-06-26. Review status: criteria provided, single submitter. Criteria: Ambry Variant Classification Scheme 2023. Collection method: clinical testing. Allele origin: germline.
Comment: The c.743_768del26 pathogenic mutation, located in coding exon 4 of the FLCN gene, results from a deletion of 26 nucleotides at nucleotide positions 743 to 768, causing a translational frameshift with a predicted alternate stop codon (p.D248Vfs*35). This variant is considered to be rare based on population cohorts in the Genome Aggregation Database (gnomAD). This alteration is expected to result in loss of function by premature protein truncation or nonsense-mediated mRNA decay. As such, this alteration is interpreted as a disease-causing mutation.